The following is an entry in ClinVar:

NM_003611.3(OFD1):c.2508G>A (p.Arg836=)

Gene: OFD1 (OFD1 centriole and centriolar satellite protein; plus strand). Cytogenetic location: Xp22.2.
Variant type: single nucleotide variant.
Coding change: c.2508G>A on transcript NM_003611.3 (MANE Select); coding-DNA position 2508, G replaced by A.
Protein change: p.Arg836=; no amino-acid change (arginine 836 retained).
Molecular consequence: synonymous variant.
Genome position (GRCh38, 1-based): chrX:13,763,764, G>A. VCF-style: chrX-13763764-G-A. GRCh37 (hg19) VCF-style: chrX-13781883-G-A.
Other names: c.2388G>A, p.Arg796= (NM_001330209.2); c.2088G>A, p.Arg696= (NM_001330210.2); c.2508G>A (NM_003611.2).
Identifiers: ClinVar variation 1956498 (VCV001956498.6), dbSNP rs2048023499, ClinGen allele CA515466785.

ClinVar aggregate classification (germline): Conflicting classifications of pathogenicity. Review status: criteria provided, conflicting classifications (1 of 4 stars). 2 submissions from 2 submitters: Uncertain significance (1); Likely benign (1). Last evaluated 2023-05-19.

Conditions:
Joubert syndrome. Also called: CEREBELLOPARENCHYMAL DISORDER IV; JOUBERT-BOLTSHAUSER SYNDROME; Familial aplasia of the vermis. Identifiers: Orphanet 475, MedGen C5979921, MONDO:0018772.
Orofaciodigital syndrome I (OFD1). Also called: OFDS I; Papillon-Leage and Psaume Syndrome; Oral-Facial-Digital Syndrome Type I. Identifiers: Orphanet 2750, MedGen C1510460, MONDO:0010702, OMIM 311200.
OFD1-related disorder. Also called: OFD1-related condition.

Allele frequency attached by ClinVar (database versions not stated): gnomAD exomes below 0.00001; TOPMed 0.00001.
gnomAD v4.1: 3 of 1,210,843 alleles (0.00025%); highest among the groups gnomAD compares: Non-Finnish European, 0.00034%; no homozygotes.

Submissions (2):

PreventionGenetics, part of Exact Sciences
Classification: Uncertain significance for OFD1-related condition. Last evaluated: 2023-05-19. Review status: criteria provided, single submitter. Criteria: ACMG Guidelines, 2015. Collection method: clinical testing. Allele origin: germline.
Comment: The OFD1 c.2508G>A variant is not predicted to result in an amino acid change (p.=). There is limited evidence for an impact on splicing based on available splicing in silico algorithms (Alamut Visual Plus v1.6.1). To our knowledge, this variant has not been reported in the literature or in a large population database, indicating this variant is rare. Although we suspect that this variant may be benign, at this time, the clinical significance of this variant is uncertain due to the absence of conclusive functional and genetic evidence.

Labcorp Genetics (formerly Invitae), Labcorp
Classification: Likely benign for Orofaciodigital syndrome I; Joubert syndrome. Last evaluated: 2022-07-09. Review status: criteria provided, single submitter. Criteria: Invitae Variant Classification Sherloc (09022015). Collection method: clinical testing. Allele origin: germline.